The following is an entry in ClinVar:

NM_139343.3(BIN1):c.857+22G>A

Gene: BIN1 (bridging integrator 1; minus strand). Cytogenetic location: 2q14.3.
Variant type: single nucleotide variant.
Coding change: c.857+22G>A on transcript NM_139343.3 (MANE Select); 22 bases into the intron after coding-DNA position 857, G replaced by A.
Molecular consequence: intron variant.
Genome position (GRCh38, 1-based): chr2:127,062,093, C>T on the plus strand (G>A on the coding strand, the complement: BIN1 is on the minus strand). VCF-style: chr2-127062093-C-T. GRCh37 (hg19) VCF-style: chr2-127819669-C-T.
Other names: c.776+22G>A (NM_001320642.1); c.692+22G>A (NM_001320634.1); c.764+22G>A (NM_139351.3, NM_139350.3, NM_139349.3 and 6 more transcripts); c.857+22G>A (NM_001320633.2, NM_139345.3, NM_139344.3 and 1 more transcripts).
Identifiers: ClinVar variation 677687 (VCV000677687.2), dbSNP rs115112451, ClinGen allele CA1857303.

ClinVar aggregate classification (germline): Likely benign. Review status: criteria provided, multiple submitters, no conflicts (2 of 4 stars). 2 submissions from 2 submitters: Likely benign (2). Last evaluated 2018-06-19.

Allele frequency attached by ClinVar (database versions not stated): 1000 Genomes Project 0.00479; 1000 Genomes Project 30x 0.00593; gnomAD 0.00970 and 0.01001; TOPMed 0.01042; ESP Exome Variant Server 0.01062; ExAC 0.01785.
gnomAD v4.1: 19,526 of 1,588,792 alleles (1.2%); highest among the groups gnomAD compares: Admixed American, 2.6%; 163 homozygotes.

Submissions (2):

GeneDx
Classification: Likely benign. Last evaluated: 2018-06-19. Review status: criteria provided, single submitter. Criteria: GeneDx Variant Classification (06012015). Collection method: clinical testing. Allele origin: germline. Affected: yes.
Comment: This variant is considered likely benign or benign based on one or more of the following criteria: it is a conservative change, it occurs at a poorly conserved position in the protein, it is predicted to be benign by multiple in silico algorithms, and/or has population frequency not consistent with disease.

Breakthrough Genomics
Classification: Likely benign. Review status: criteria provided, single submitter. Criteria: ACMG Guidelines, 2015. Collection method: not provided. Allele origin: germline. Inheritance: Autosomal recessive inheritance. Affected: yes.